The following is an entry in ClinVar:

NM_080473.5(GATA5):c.73G>T (p.Ala25Ser)

Gene: GATA5 (GATA binding protein 5; minus strand). Cytogenetic location: 20q13.33.
Variant type: single nucleotide variant.
Coding change: c.73G>T on transcript NM_080473.5 (MANE Select); coding-DNA position 73, G replaced by T.
Protein change: p.Ala25Ser; replaces alanine 25 with serine.
Molecular consequence: missense variant.
Genome position (GRCh38, 1-based): chr20:62,475,449, C>A on the plus strand (G>T on the coding strand, the complement: GATA5 is on the minus strand). VCF-style: chr20-62475449-C-A. GRCh37 (hg19) VCF-style: chr20-61050505-C-A.
Other names: short protein forms A25S.
Identifiers: ClinVar variation 1467310 (VCV001467310.8), dbSNP rs1989835436, ClinGen allele CA409557933.

ClinVar aggregate classification (germline): Uncertain significance (1 of 4 stars; one submission).

Allele frequency attached by ClinVar (database versions not stated): gnomAD 0.00001; TOPMed 0.00001.

Submission:

Labcorp Genetics (formerly Invitae), Labcorp
Classification: Uncertain significance. Last evaluated: 2024-11-17. Review status: criteria provided, single submitter. Criteria: Invitae Variant Classification Sherloc (09022015). Collection method: clinical testing. Allele origin: germline.
Comment: This sequence change replaces alanine, which is neutral and non-polar, with serine, which is neutral and polar, at codon 25 of the GATA5 protein (p.Ala25Ser). This variant is not present in population databases (gnomAD no frequency). This variant has not been reported in the literature in individuals affected with GATA5-related conditions. ClinVar contains an entry for this variant (Variation ID: 1467310). An algorithm developed to predict the effect of missense changes on protein structure and function outputs the following: PolyPhen-2: "Benign". The serine amino acid residue is found in multiple mammalian species, which suggests that this missense change does not adversely affect protein function. In summary, the available evidence is currently insufficient to determine the role of this variant in disease. Therefore, it has been classified as a Variant of Uncertain Significance.